The following is an entry in ClinVar:

NM_006231.4(POLE):c.2014A>G (p.Arg672Gly)

Gene: POLE (DNA polymerase epsilon, catalytic subunit; minus strand). Cytogenetic location: 12q24.33.
Variant type: single nucleotide variant.
Coding change: c.2014A>G on transcript NM_006231.4 (MANE Select); coding-DNA position 2014, A replaced by G.
Protein change: p.Arg672Gly; replaces arginine 672 with glycine.
Molecular consequence: missense variant.
Genome position (GRCh38, 1-based): chr12:132,668,647, T>C on the plus strand (A>G on the coding strand, the complement: POLE is on the minus strand). VCF-style: chr12-132668647-T-C. GRCh37 (hg19) VCF-style: chr12-133245233-T-C.
Other names: short protein forms R672G.
Identifiers: ClinVar variation 656098 (VCV000656098.8), dbSNP rs1593792619, ClinGen allele CA387354694.

ClinVar aggregate classification (germline): Uncertain significance (1 of 4 stars; one submission).

Submission:

Labcorp Genetics (formerly Invitae), Labcorp
Classification: Uncertain significance. Last evaluated: 2020-06-10. Review status: criteria provided, single submitter. Criteria: Invitae Variant Classification Sherloc (09022015). Collection method: clinical testing. Allele origin: germline.
Comment: This sequence change replaces arginine with glycine at codon 672 of the POLE protein (p.Arg672Gly). The arginine residue is highly conserved and there is a moderate physicochemical difference between arginine and glycine. This variant is not present in population databases (ExAC no frequency). This variant has not been reported in the literature in individuals with POLE-related disease. Algorithms developed to predict the effect of missense changes on protein structure and function (SIFT, PolyPhen-2, Align-GVGD) all suggest that this variant is likely to be disruptive, but these predictions have not been confirmed by published functional studies and their clinical significance is uncertain. In summary, the available evidence is currently insufficient to determine the role of this variant in disease. Therefore, it has been classified as a Variant of Uncertain Significance.